The following is an entry in ClinVar:

NM_000384.3(APOB):c.10045A>G (p.Thr3349Ala)

Gene: APOB (apolipoprotein B; minus strand). Cytogenetic location: 2p24.1.
Variant type: single nucleotide variant.
Coding change: c.10045A>G on transcript NM_000384.3 (MANE Select); coding-DNA position 10045, A replaced by G.
Protein change: p.Thr3349Ala; replaces threonine 3349 with alanine.
Molecular consequence: missense variant.
Genome position (GRCh38, 1-based): chr2:21,006,823, T>C on the plus strand (A>G on the coding strand, the complement: APOB is on the minus strand). VCF-style: chr2-21006823-T-C. GRCh37 (hg19) VCF-style: chr2-21229695-T-C.
Other names: short protein forms T3349A.
Identifiers: ClinVar variation 4613646 (VCV004613646.1).

ClinVar aggregate classification (germline): Uncertain significance (1 of 4 stars; one submission).

Conditions:
Cardiovascular phenotype. Identifiers: MedGen CN230736.

Submission:

Ambry Genetics
Classification: Uncertain significance for Cardiovascular phenotype. Last evaluated: 2025-09-25. Review status: criteria provided, single submitter. Criteria: Ambry Variant Classification Scheme 2023. Collection method: clinical testing. Allele origin: germline.
Comment: The p.T3349A variant (also known as c.10045A>G), located in coding exon 26 of the APOB gene, results from an A to G substitution at nucleotide position 10045. The threonine at codon 3349 is replaced by alanine, an amino acid with similar properties. This amino acid position is conserved. In addition, this alteration is predicted to be tolerated by in silico analysis. Based on the available evidence, the clinical significance of this variant remains unclear.